The following is an entry in ClinVar:

ClinVar aggregate classification (germline): Uncertain significance. Review status: criteria provided, multiple submitters, no conflicts (2 of 4 stars). 2 submissions from 2 submitters: Uncertain significance (2). Last evaluated 2024-03-22.

Conditions:
Saldino-Mainzer syndrome (SRTD9). Also called: SHORT-RIB THORACIC DYSPLASIA 9 WITHOUT POLYDACTYLY; Renal dysplasia, retinal pigmentary dystrophy, cerebellar ataxia and skeletal dysplasia; short-rib thoracic dysplasia 9 with or without polydactyly; CONORENAL SYNDROME. Identifiers: Orphanet 140969, MedGen C1849437, MONDO:0009964, OMIM 266920.
Retinitis pigmentosa 80 (RP80). Identifiers: MedGen C4540439, MONDO:0054708, OMIM 617781.

Allele frequency attached by ClinVar (database versions not stated): gnomAD exomes below 0.00001.
gnomAD v4.1: 3 of 1,614,156 alleles (0.00019%); highest among the groups gnomAD compares: Non-Finnish European, 0.00017%; no homozygotes.

Submissions (2):

Fulgent Genetics
Classification: Uncertain significance for Saldino-Mainzer syndrome; Retinitis pigmentosa 80. Last evaluated: 2024-03-22. Review status: criteria provided, single submitter. Criteria: ACMG Guidelines, 2015. Collection method: clinical testing. Allele origin: germline.

Labcorp Genetics (formerly Invitae), Labcorp
Classification: Uncertain significance for Saldino-Mainzer syndrome. Last evaluated: 2020-02-22. Review status: criteria provided, single submitter. Criteria: Invitae Variant Classification Sherloc (09022015). Collection method: clinical testing. Allele origin: germline.
Comment: This sequence change replaces methionine with isoleucine at codon 753 of the IFT140 protein (p.Met753Ile). The methionine residue is moderately conserved and there is a small physicochemical difference between methionine and isoleucine. This variant is not present in population databases (ExAC no frequency). This variant has not been reported in the literature in individuals with IFT140-related conditions. Algorithms developed to predict the effect of missense changes on protein structure and function (SIFT, PolyPhen-2, Align-GVGD) all suggest that this variant is likely to be tolerated, but these predictions have not been confirmed by published functional studies and their clinical significance is uncertain. Algorithms developed to predict the effect of sequence changes on RNA splicing suggest that this variant may create or strengthen a splice site, but this prediction has not been confirmed by published transcriptional studies. In summary, the available evidence is currently insufficient to determine the role of this variant in disease. Therefore, it has been classified as a Variant of Uncertain Significance.

NM_014714.4(IFT140):c.2259G>A (p.Met753Ile)

Gene: IFT140 (intraflagellar transport 140; minus strand). Cytogenetic location: 16p13.3.
Variant type: single nucleotide variant.
Coding change: c.2259G>A on transcript NM_014714.4 (MANE Select); coding-DNA position 2259, G replaced by A.
Protein change: p.Met753Ile; replaces methionine 753 with isoleucine.
Molecular consequence: missense variant.
Genome position (GRCh38, 1-based): chr16:1,558,075, C>T on the plus strand (G>A on the coding strand, the complement: IFT140 is on the minus strand). VCF-style: chr16-1558075-C-T. GRCh37 (hg19) VCF-style: chr16-1608076-C-T.
Other names: short protein forms M753I.
Identifiers: ClinVar variation 859235 (VCV000859235.9), dbSNP rs2033203151, ClinGen allele CA394200967.